The following is an entry in ClinVar:

NM_206933.4(USH2A):c.1504C>G (p.Leu502Val)

Gene: USH2A (usherin; minus strand). Cytogenetic location: 1q41.
Variant type: single nucleotide variant.
Coding change: c.1504C>G on transcript NM_206933.4 (MANE Select); coding-DNA position 1504, C replaced by G.
Protein change: p.Leu502Val; replaces leucine 502 with valine.
Molecular consequence: missense variant.
Genome position (GRCh38, 1-based): chr1:216,323,520, G>C on the plus strand (C>G on the coding strand, the complement: USH2A is on the minus strand). VCF-style: chr1-216323520-G-C. GRCh37 (hg19) VCF-style: chr1-216496862-G-C.
Other names: c.1504C>G, p.Leu502Val (NM_007123.6); short protein forms L502V.
Identifiers: ClinVar variation 969789 (VCV000969789.8), dbSNP rs2037659986, ClinGen allele CA344909667.

ClinVar aggregate classification (germline): Uncertain significance (1 of 4 stars; one submission).

Submission:

Labcorp Genetics (formerly Invitae), Labcorp
Classification: Uncertain significance. Last evaluated: 2019-10-24. Review status: criteria provided, single submitter. Criteria: Invitae Variant Classification Sherloc (09022015). Collection method: clinical testing. Allele origin: germline.
Comment: In summary, the available evidence is currently insufficient to determine the role of this variant in disease. Therefore, it has been classified as a Variant of Uncertain Significance. Algorithms developed to predict the effect of sequence changes on RNA splicing suggest that this variant may create or strengthen a splice site, but this prediction has not been confirmed by published transcriptional studies. Algorithms developed to predict the effect of missense changes on protein structure and function (SIFT, PolyPhen-2, Align-GVGD) all suggest that this variant is likely to be tolerated, but these predictions have not been confirmed by published functional studies and their clinical significance is uncertain. This variant has not been reported in the literature in individuals with USH2A-related conditions. This variant is not present in population databases (ExAC no frequency). This sequence change replaces leucine with valine at codon 502 of the USH2A protein (p.Leu502Val). The leucine residue is weakly conserved and there is a small physicochemical difference between leucine and valine.